The following is an entry in ClinVar:

NM_001267550.2(TTN):c.101693T>C (p.Leu33898Pro)

Genes: TTN (titin; minus strand), TTN-AS1 (TTN antisense RNA 1; plus strand). Cytogenetic location: 2q31.2.
Variant type: single nucleotide variant.
Coding change: c.101693T>C on transcript NM_001267550.2 (MANE Select); coding-DNA position 101693, T replaced by C.
Protein change: p.Leu33898Pro; replaces leucine 33898 with proline.
Molecular consequence: missense variant.
Genome position (GRCh38, 1-based): chr2:178,534,922, A>G on the plus strand (T>C on the coding strand, the complement: TTN is on the minus strand). VCF-style: chr2-178534922-A-G. GRCh37 (hg19) VCF-style: chr2-179399649-A-G.
Other names: c.96770T>C, p.Leu32257Pro (NM_001256850.1); c.74498T>C, p.Leu24833Pro (NM_003319.4); c.93989T>C, p.Leu31330Pro (NM_133378.4); c.74873T>C, p.Leu24958Pro (NM_133432.3); c.75074T>C, p.Leu25025Pro (NM_133437.4); short protein forms L24833P, L25025P, L31330P, L32257P, L24958P, L33898P.
Identifiers: ClinVar variation 646879 (VCV000646879.6), dbSNP rs1575286611, ClinGen allele CA349419861.

ClinVar aggregate classification (germline): Uncertain significance (1 of 4 stars; one submission).

Conditions:
Dilated cardiomyopathy 1G (CMD1G). Identifiers: Orphanet 154, MedGen C1858763, MONDO:0011400, OMIM 604145.
Autosomal recessive limb-girdle muscular dystrophy type 2J (LGMDR10). Also called: Limb-girdle muscular dystrophy, type 2J; MUSCULAR DYSTROPHY, LIMB-GIRDLE, AUTOSOMAL RECESSIVE 10. Identifiers: Orphanet 140922, MedGen C1837342, MONDO:0012127, OMIM 608807.

Allele frequency attached by ClinVar (database versions not stated): gnomAD exomes below 0.00001.
gnomAD v4.1: 2 of 1,611,232 alleles (0.00012%); highest among the groups gnomAD compares: South Asian, 0.0011%; no homozygotes.

Submission:

Labcorp Genetics (formerly Invitae), Labcorp
Classification: Uncertain significance for Dilated cardiomyopathy 1G; Autosomal recessive limb-girdle muscular dystrophy type 2J. Last evaluated: 2018-10-09. Review status: criteria provided, single submitter. Criteria: Invitae Variant Classification Sherloc (09022015). Collection method: clinical testing. Allele origin: germline.
Comment: This variant is located in the M band of TTN (PMID: 25589632).¬¨‚Ä†Variants in this region may be relevant for neuromuscular disorders, but have not been definitively shown to cause cardiomyopathy (PMID: 23975875). Algorithms developed to predict the effect of missense changes on protein structure and function are unavailable for the TTN gene. This sequence change replaces leucine with proline at codon 33898 of the TTN protein (p.Leu33898Pro). There is a moderate physicochemical difference between leucine and proline. This variant is not present in population databases (ExAC no frequency). This variant has not been reported in the literature in individuals with TTN-related disease. In summary, the available evidence is currently insufficient to determine the role of this variant in disease. Therefore, it has been classified as a Variant of Uncertain Significance.

Literature cited by the submitters: PubMed 25589632; PubMed 23975875.